The following is an entry in ClinVar:

ClinVar aggregate classification (germline): Uncertain significance (1 of 4 stars; one submission).

Conditions:
Hyper-IgE recurrent infection syndrome 1, autosomal dominant. Also called: STAT3 Hyper IgE Syndrome; Hyper-IgE recurrent infection syndrome 1; JOB SYNDROME; HYPER-IgE SYNDROME 1, AUTOSOMAL DOMINANT, WITH RECURRENT INFECTIONS; Job's Syndrome. Identifiers: Orphanet 2314, MedGen C2936739, MONDO:0007818, OMIM 147060.
STAT3 gain of function. Identifiers: MedGen C4288261.

Submission:

Labcorp Genetics (formerly Invitae), Labcorp
Classification: Uncertain significance for STAT3 gain of function; Hyper-IgE recurrent infection syndrome 1, autosomal dominant. Last evaluated: 2025-01-18. Review status: criteria provided, single submitter. Criteria: Invitae Variant Classification Sherloc (09022015). Collection method: clinical testing. Allele origin: germline.
Comment: This sequence change falls in intron 5 of the STAT3 gene. It does not directly change the encoded amino acid sequence of the STAT3 protein. It affects a nucleotide within the consensus splice site. This variant is not present in population databases (gnomAD no frequency). This variant has not been reported in the literature in individuals affected with STAT3-related conditions. ClinVar contains an entry for this variant (Variation ID: 2922242). Variants that disrupt the consensus splice site are a relatively common cause of aberrant splicing (PMID: 17576681, 9536098). Algorithms developed to predict the effect of sequence changes on RNA splicing suggest that this variant is not likely to affect RNA splicing. In summary, the available evidence is currently insufficient to determine the role of this variant in disease. Therefore, it has been classified as a Variant of Uncertain Significance.

Literature cited by the submitters: PubMed 17576681; PubMed 9536098.

NM_139276.3(STAT3):c.468+5T>C

Gene: STAT3 (signal transducer and activator of transcription 3; minus strand). Cytogenetic location: 17q21.2.
Variant type: single nucleotide variant.
Coding change: c.468+5T>C on transcript NM_139276.3 (MANE Select); 5 bases into the intron after coding-DNA position 468, T replaced by C.
Molecular consequence: intron variant.
Genome position (GRCh38, 1-based): chr17:42,339,309, A>G on the plus strand (T>C on the coding strand, the complement: STAT3 is on the minus strand). VCF-style: chr17-42339309-A-G. GRCh37 (hg19) VCF-style: chr17-40491327-A-G.
Other names: c.373-497T>C (NM_001384989.1); c.468+5T>C (NM_001384992.1, NM_001384984.1, NM_001369519.1 and 15 more transcripts); c.390+5T>C (NM_001384985.1).
Identifiers: ClinVar variation 2922242 (VCV002922242.3), dbSNP rs2509456002, ClinGen allele CA2740095350.
Genomic context (GRCh38, chr17:42,339,309, plus strand): 5'-CTGTCTCAAAAAAAAAAAAAAAAATTAATGAAAGCTCCCTGCCCGAGGCTTGTAACTTGC[A>G]TCACCTGCACTCTCTTCCGGACATCCTGAAGGTGCTGCTCCAGCATCTGCTGCTTCTCCG-3'